The following is an entry in ClinVar:

ClinVar aggregate classification (germline): Benign/Likely benign. Review status: criteria provided, multiple submitters, no conflicts (2 of 4 stars). 5 submissions from 5 submitters: Benign (1); Likely benign (3). 1 of the submissions does not count toward it. Last evaluated 2025-12-24.

Conditions:
PIEZO1-related disorder. Also called: PIEZO1-related condition; PIEZO1-Related Disorders.

Allele frequency attached by ClinVar (database versions not stated): 1000 Genomes Project 0.00280; gnomAD 0.00297 and 0.00322; ESP Exome Variant Server 0.00307; 1000 Genomes Project 30x 0.00312; TOPMed 0.00331.

Submissions (5):

Labcorp Genetics (formerly Invitae), Labcorp
Classification: Benign. Last evaluated: 2025-12-24. Review status: criteria provided, single submitter. Criteria: Invitae Variant Classification Sherloc (09022015). Collection method: clinical testing. Allele origin: germline.

Mayo Clinic Laboratories, Mayo Clinic
Classification: Likely benign. Last evaluated: 2025-04-24. Review status: criteria provided, single submitter. Criteria: ACMG Guidelines, 2015. Collection method: clinical testing. Allele origin: germline. Observed: 15 variant alleles.
Comment: BS2, BP4_moderate

ARUP Laboratories, Molecular Genetics and Genomics, ARUP Laboratories
Classification: Likely benign. Last evaluated: 2024-05-30. Review status: criteria provided, single submitter. Criteria: ARUP Molecular Germline Variant Investigation Process 2024. Collection method: clinical testing. Allele origin: germline.

GeneDx
Classification: Likely benign. Last evaluated: 2018-10-27. Review status: criteria provided, single submitter. Criteria: GeneDx Variant Classification Process June 2021. Collection method: clinical testing. Allele origin: germline. Affected: yes.

PreventionGenetics, part of Exact Sciences
Classification: Benign for PIEZO1-related condition. Last evaluated: 2019-05-03. Review status: no assertion criteria provided. Collection method: clinical testing. Allele origin: germline. Not counted in ClinVar's aggregate classification.
Comment: This variant is classified as benign based on ACMG/AMP sequence variant interpretation guidelines (Richards et al. 2015 PMID: 25741868, with internal and published modifications).

NM_001142864.4(PIEZO1):c.3928G>A (p.Val1310Ile)

Gene: PIEZO1 (piezo type mechanosensitive ion channel component 1 (Er blood group); minus strand). Cytogenetic location: 16q24.3.
Variant type: single nucleotide variant.
Coding change: c.3928G>A on transcript NM_001142864.4 (MANE Select); coding-DNA position 3928, G replaced by A.
Protein change: p.Val1310Ile; replaces valine 1310 with isoleucine.
Molecular consequence: missense variant.
Genome position (GRCh38, 1-based): chr16:88,726,324, C>T on the plus strand (G>A on the coding strand, the complement: PIEZO1 is on the minus strand). VCF-style: chr16-88726324-C-T. GRCh37 (hg19) VCF-style: chr16-88792732-C-T.
Other names: p.Val1310Ile; short protein forms V1310I.
Identifiers: ClinVar variation 714852 (VCV000714852.23), dbSNP rs34606201, ClinGen allele CA8232308.